The following is an entry in ClinVar:

NM_006445.4(PRPF8):c.55G>A (p.Ala19Thr)

Gene: PRPF8 (pre-mRNA processing factor 8; minus strand). Cytogenetic location: 17p13.3.
Variant type: single nucleotide variant.
Coding change: c.55G>A on transcript NM_006445.4 (MANE Select); coding-DNA position 55, G replaced by A.
Protein change: p.Ala19Thr; replaces alanine 19 with threonine.
Molecular consequence: missense variant.
Genome position (GRCh38, 1-based): chr17:1,684,517, C>T on the plus strand (G>A on the coding strand, the complement: PRPF8 is on the minus strand). VCF-style: chr17-1684517-C-T. GRCh37 (hg19) VCF-style: chr17-1587811-C-T.
Other names: short protein forms A19T.
Identifiers: ClinVar variation 1410758 (VCV001410758.8), dbSNP rs2151133760, ClinGen allele CA397572413.

ClinVar aggregate classification (germline): Uncertain significance (1 of 4 stars; one submission).

gnomAD v4.1: 2 of 1,612,664 alleles (0.00012%); highest among the groups gnomAD compares: African/African-American, 0.0013%; no homozygotes.

Submission:

Labcorp Genetics (formerly Invitae), Labcorp
Classification: Uncertain significance. Last evaluated: 2022-08-16. Review status: criteria provided, single submitter. Criteria: Invitae Variant Classification Sherloc (09022015). Collection method: clinical testing. Allele origin: germline.
Comment: ClinVar contains an entry for this variant (Variation ID: 1410758). In summary, the available evidence is currently insufficient to determine the role of this variant in disease. Therefore, it has been classified as a Variant of Uncertain Significance. Algorithms developed to predict the effect of missense changes on protein structure and function (SIFT, PolyPhen-2, Align-GVGD) all suggest that this variant is likely to be tolerated. This variant has not been reported in the literature in individuals affected with PRPF8-related conditions. This variant is not present in population databases (gnomAD no frequency). This sequence change replaces alanine, which is neutral and non-polar, with threonine, which is neutral and polar, at codon 19 of the PRPF8 protein (p.Ala19Thr).